The following is an entry in ClinVar:

NM_000038.6(APC):c.3263A>C (p.Lys1088Thr)

Gene: APC (APC regulator of Wnt signaling pathway; plus strand). Cytogenetic location: 5q22.2.
Variant type: single nucleotide variant.
Coding change: c.3263A>C on transcript NM_000038.6 (MANE Select); coding-DNA position 3263, A replaced by C.
Protein change: p.Lys1088Thr; replaces lysine 1088 with threonine.
Molecular consequence: missense variant.
Genome position (GRCh38, 1-based): chr5:112,838,857, A>C. VCF-style: chr5-112838857-A-C. GRCh37 (hg19) VCF-style: chr5-112174554-A-C.
Other names: c.3263A>C, p.Lys1088Thr (NM_001127510.3, NM_001354895.2); c.3209A>C, p.Lys1070Thr (NM_001127511.3); c.3317A>C, p.Lys1106Thr (NM_001354896.2); c.3293A>C, p.Lys1098Thr (NM_001354897.2); c.3188A>C, p.Lys1063Thr (NM_001354898.2); c.3179A>C, p.Lys1060Thr (NM_001354899.2); c.3140A>C, p.Lys1047Thr (NM_001354900.2); c.3086A>C, p.Lys1029Thr (NM_001354901.2); and 5 more; short protein forms K987T, K1029T, K1047T, K1106T, K1063T, K1070T, K1060T, K1088T.
Identifiers: ClinVar variation 657803 (VCV000657803.23), dbSNP rs1580633119, ClinGen allele CA16028493.

ClinVar aggregate classification (germline): Uncertain significance. Review status: criteria provided, multiple submitters, no conflicts (2 of 4 stars). 7 submissions from 7 submitters: Uncertain significance (7). Last evaluated 2025-09-28.

Conditions:
Hereditary cancer-predisposing syndrome. Also called: Neoplastic Syndromes, Hereditary; Tumor predisposition; Hereditary Cancer Syndrome; Hereditary neoplastic syndrome. Identifiers: Orphanet 140162, MedGen C0027672, MeSH D009386, MONDO:0015356.
Familial adenomatous polyposis 1 (FAP1). Also called: FAMILIAL ADENOMATOUS POLYPOSIS 1, ATTENUATED; POLYPOSIS, ADENOMATOUS INTESTINAL. Identifiers: MedGen C2713442, MONDO:0021056, OMIM 175100. Disease mechanism: loss of function.
Gastric adenocarcinoma and proximal polyposis of the stomach (GAPPS). Also called: POLYPOSIS, GASTRIC; Polyposis, gastric, Dos Santos and de Magalhaes 1980; Gastric Adenocarcinoma and Proximal Polyposis of the Stomach (GAPPS). Identifiers: Orphanet 314022, MedGen C4749917, MONDO:0017790, OMIM 619182.
Desmoid disease, hereditary (DESMD). Also called: FIBROMATOSIS, FAMILIAL INFILTRATIVE. Identifiers: Orphanet 873, MedGen C1851124, OMIM 135290. Disease mechanism: loss of function.
Hepatocellular carcinoma (HCC). Also called: Primary carcinoma of liver; HEPATOMA; LIVER CELL CARCINOMA. Identifiers: Orphanet 88673, MedGen C2239176, MONDO:0007256, OMIM 114550, HP:0001402.
Gastric cancer. Also called: Malignant tumor of stomach; Stomach cancer. Identifiers: MedGen C0024623, MeSH D013274, MONDO:0001056, OMIM 613659, HP:0012126.
Colorectal cancer. Also called: Colorectal cancer, somatic; Malignant Colorectal Neoplasm. Identifiers: MedGen C0346629, MONDO:0005575, OMIM 114500.

Submissions (7):

Ambry Genetics
Classification: Uncertain significance for Hereditary cancer-predisposing syndrome. Last evaluated: 2025-09-28. Review status: criteria provided, single submitter. Criteria: Ambry Variant Classification Scheme 2023. Collection method: clinical testing. Allele origin: germline.
Comment: The p.K1088T variant (also known as c.3263A>C), located in coding exon 15 of the APC gene, results from an A to C substitution at nucleotide position 3263. The lysine at codon 1088 is replaced by threonine, an amino acid with similar properties. This amino acid position is highly conserved in available vertebrate species. In addition, in silico predictors for this gene do not accurately predict pathogenicity. Since supporting evidence is limited at this time, the clinical significance of this alteration remains unclear.

Quest Diagnostics Nichols Institute San Juan Capistrano
Classification: Uncertain significance. Last evaluated: 2025-09-13. Review status: criteria provided, single submitter. Criteria: Quest Diagnostics criteria. Collection method: clinical testing. Allele origin: unknown.
Comment: The APC c.3263A>C (p.Lys1088Thr) variant has not been reported in individuals with APC-related conditions in the published literature. This variant has not been reported in large, multi-ethnic general populations (Genome Aggregation Database). Analysis of this variant using bioinformatics tools for the prediction of the effect of amino acid changes on protein structure and function yielded conflicting predictions that this variant is deleterious or benign. Based on the available information, we are unable to determine the clinical significance of this variant.

Labcorp Genetics (formerly Invitae), Labcorp
Classification: Uncertain significance for Familial adenomatous polyposis 1. Last evaluated: 2025-07-31. Review status: criteria provided, single submitter. Criteria: Invitae Variant Classification Sherloc (09022015). Collection method: clinical testing. Allele origin: germline.
Comment: This sequence change replaces lysine, which is basic and polar, with threonine, which is neutral and polar, at codon 1088 of the APC protein (p.Lys1088Thr). This variant is not present in population databases (gnomAD no frequency). This variant has not been reported in the literature in individuals affected with APC-related conditions. ClinVar contains an entry for this variant (Variation ID: 657803). Invitae Evidence Modeling of protein sequence and biophysical properties (such as structural, functional, and spatial information, amino acid conservation, physicochemical variation, residue mobility, and thermodynamic stability) indicates that this missense variant is not expected to disrupt APC protein function with a negative predictive value of 95%. In summary, the available evidence is currently insufficient to determine the role of this variant in disease. Therefore, it has been classified as a Variant of Uncertain Significance.

Baylor Genetics
Classification: Uncertain significance for Familial adenomatous polyposis 1. Last evaluated: 2024-03-26. Review status: criteria provided, single submitter. Criteria: ACMG Guidelines, 2015. Collection method: clinical testing. Allele origin: unknown.

Color Diagnostics, LLC DBA Color Health
Classification: Uncertain significance for Hereditary cancer-predisposing syndrome. Last evaluated: 2023-05-30. Review status: criteria provided, single submitter. Criteria: ACMG Guidelines, 2015. Collection method: clinical testing. Allele origin: germline.
Comment: This missense variant replaces lysine with threonine at codon 1088 of the APC protein. Computational prediction suggests that this variant may not impact protein structure and function (internally defined REVEL score threshold <= 0.5, PMID: 27666373). To our knowledge, functional studies have not been reported for this variant. This variant has not been reported in individuals affected with APC-related disorders in the literature. This variant has not been identified in the general population by the Genome Aggregation Database (gnomAD). The available evidence is insufficient to determine the role of this variant in disease conclusively. Therefore, this variant is classified as a Variant of Uncertain Significance.

Fulgent Genetics
Classification: Uncertain significance for Colorectal cancer; Hepatocellular carcinoma; Desmoid disease, hereditary; Familial adenomatous polyposis 1; Gastric cancer; Gastric adenocarcinoma and proximal polyposis of the stomach. Last evaluated: 2022-03-22. Review status: criteria provided, single submitter. Criteria: ACMG Guidelines, 2015. Collection method: clinical testing. Allele origin: unknown.

GeneDx
Classification: Uncertain significance. Last evaluated: 2019-12-12. Review status: criteria provided, single submitter. Criteria: GeneDx Variant Classification Process June 2021. Collection method: clinical testing. Allele origin: germline. Affected: yes.
Comment: Not observed in large population cohorts (Lek 2016); In silico analysis, which includes protein predictors and evolutionary conservation, supports that this variant does not alter protein structure/function; Has not been previously published as pathogenic or benign to our knowledge